The following is an entry in ClinVar:

ClinVar aggregate classification (germline): Uncertain significance. Review status: criteria provided, multiple submitters, no conflicts (2 of 4 stars). 2 submissions from 2 submitters: Uncertain significance (2). Last evaluated 2026-09-01.

Conditions:
Inborn genetic diseases. Identifiers: MedGen C0950123, MeSH D030342.

Submissions (2):

Ambry Genetics
Classification: Uncertain significance for Inborn genetic diseases. Last evaluated: 2026-09-01. Review status: criteria provided, single submitter. Criteria: Ambry Variant Classification Scheme 2023. Collection method: clinical testing. Allele origin: germline.
Comment: The p.D128G variant (also known as c.383A>G), located in coding exon 1 of the SAMD9L gene, results from an A to G substitution at nucleotide position 383. The aspartic acid at codon 128 is replaced by glycine, an amino acid with similar properties. This amino acid position is conserved. In addition, this alteration is predicted to be tolerated by in silico analysis. Based on the available evidence, the clinical significance of this variant remains unclear.

Labcorp Genetics (formerly Invitae), Labcorp
Classification: Uncertain significance. Last evaluated: 2024-07-21. Review status: criteria provided, single submitter. Criteria: Invitae Variant Classification Sherloc (09022015). Collection method: clinical testing. Allele origin: germline.
Comment: This sequence change replaces aspartic acid, which is acidic and polar, with glycine, which is neutral and non-polar, at codon 128 of the SAMD9L protein (p.Asp128Gly). This variant is not present in population databases (gnomAD no frequency). This variant has not been reported in the literature in individuals affected with SAMD9L-related conditions. An algorithm developed to predict the effect of missense changes on protein structure and function outputs the following: PolyPhen-2: "Benign". The glycine amino acid residue is found in multiple mammalian species, which suggests that this missense change does not adversely affect protein function. In summary, the available evidence is currently insufficient to determine the role of this variant in disease. Therefore, it has been classified as a Variant of Uncertain Significance.

NM_152703.5(SAMD9L):c.383A>G (p.Asp128Gly)

Gene: SAMD9L (sterile alpha motif domain containing 9 like; minus strand). Cytogenetic location: 7q21.2.
Variant type: single nucleotide variant.
Coding change: c.383A>G on transcript NM_152703.5 (MANE Select); coding-DNA position 383, A replaced by G.
Protein change: p.Asp128Gly; replaces aspartic acid 128 with glycine.
Molecular consequence: missense variant.
Genome position (GRCh38, 1-based): chr7:93,135,589, T>C on the plus strand (A>G on the coding strand, the complement: SAMD9L is on the minus strand). VCF-style: chr7-93135589-T-C. GRCh37 (hg19) VCF-style: chr7-92764902-T-C.
Other names: c.383A>G (NM_152703.2); c.383A>G, p.Asp128Gly (NM_001303496.3, NM_001303497.3, NM_001303498.3 and 5 more transcripts); short protein forms D128G.
Identifiers: ClinVar variation 3678116 (VCV003678116.3).